The following is an entry in ClinVar:

ClinVar aggregate classification (germline): Uncertain significance (1 of 4 stars; one submission).

Conditions:
Developmental and epileptic encephalopathy, 31A. Also called: Epileptic encephalopathy, early infantile, 31; Developmental and epileptic encephalopathy, 31. Identifiers: Orphanet 2382, MedGen C4225357, MONDO:0014598, OMIM 616346.

Submission:

Labcorp Genetics (formerly Invitae), Labcorp
Classification: Uncertain significance for Developmental and epileptic encephalopathy, 31A. Last evaluated: 2022-04-22. Review status: criteria provided, single submitter. Criteria: Invitae Variant Classification Sherloc (09022015). Collection method: clinical testing. Allele origin: germline.
Comment: This sequence change falls in intron 4 of the DNM1 gene. It does not directly change the encoded amino acid sequence of the DNM1 protein. It affects a nucleotide within the consensus splice site. This variant is not present in population databases (gnomAD no frequency). In summary, the available evidence is currently insufficient to determine the role of this variant in disease. Therefore, it has been classified as a Variant of Uncertain Significance. Variants that disrupt the consensus splice site are a relatively common cause of aberrant splicing (PMID: 17576681, 9536098). Algorithms developed to predict the effect of sequence changes on RNA splicing suggest that this variant is not likely to affect RNA splicing. This variant has not been reported in the literature in individuals affected with DNM1-related conditions.

Literature cited by the submitters: PubMed 17576681; PubMed 9536098.

NM_004408.4(DNM1):c.589+4G>A

Genes: DNM1 (dynamin 1; plus strand), LOC113839516 (Sharpr-MPRA regulatory region 8497; plus strand). Cytogenetic location: 9q34.11.
Variant type: single nucleotide variant.
Coding change: c.589+4G>A on transcript NM_004408.4 (MANE Select); 4 bases into the intron after coding-DNA position 589, G replaced by A.
Molecular consequence: intron variant.
Genome position (GRCh38, 1-based): chr9:128,219,256, G>A. VCF-style: chr9-128219256-G-A. GRCh37 (hg19) VCF-style: chr9-130981535-G-A.
Other names: c.589+4G>A (NM_001005336.3, NM_001374269.1, NM_001288738.2 and 2 more transcripts).
Identifiers: ClinVar variation 2129055 (VCV002129055.4), dbSNP rs751407306, ClinGen allele CA2580079671.